The following is an entry in ClinVar:

NM_000218.3(KCNQ1):c.1165_1166inv (p.Ser389Asp)

Gene: KCNQ1 (potassium voltage-gated channel subfamily Q member 1; plus strand). Cytogenetic location: 11p15.5.
Variant type: Inversion.
Coding change: c.1165_1166inv on transcript NM_000218.3 (MANE Select).
Protein change: p.Ser389Asp; replaces serine 389 with aspartic acid.
Molecular consequence: missense variant.
Genome position: GRCh38 VCF-style: chr11-2587606-TC-GA. GRCh37 (hg19) VCF-style: chr11-2608836-TC-GA.
Other names: c.1069_1070invTC, p.Ser357Asp (NM_001406836.1); c.895_896invTC, p.Ser299Asp (NM_001406837.1); c.625_626invTC, p.Ser209Asp (NM_001406838.1); c.784_785invTC, p.Ser262Asp (NM_181798.2); c.1165_1166delTCinsGA (NM_000218.2); short protein forms S262D, S389D, S299D, S209D, S357D.
Identifiers: ClinVar variation 526914 (VCV000526914.10), ClinGen allele CA658797568.

ClinVar aggregate classification (germline): Uncertain significance. Review status: criteria provided, multiple submitters, no conflicts (2 of 4 stars). 2 submissions from 2 submitters: Uncertain significance (2). Last evaluated 2026-06-03.

Conditions:
Cardiovascular phenotype. Identifiers: MedGen CN230736.
Long QT syndrome (LQTS). Identifiers: MedGen C0023976, MeSH D008133, MONDO:0002442. Disease mechanism: loss of function. Inheritance: Various modes of inheritance.

Submissions (2):

Ambry Genetics
Classification: Uncertain significance for Cardiovascular phenotype. Last evaluated: 2026-06-03. Review status: criteria provided, single submitter. Criteria: Ambry Variant Classification Scheme 2023. Collection method: clinical testing. Allele origin: germline.
Comment: The c.1165_1166delTCinsGA variant (also known as p.S389D), located in coding exon 9 of the KCNQ1 gene, results from an in-frame deletion of TC and insertion of GA at nucleotide positions 1165 to 1166. This results in the substitution of the serine residue for an aspartic acid residue at codon 389, an amino acid with similar properties. This amino acid position is well conserved in available vertebrate species. In addition, this variant is predicted to be neutral by in silico analysis (Choi Y et al. PLoS ONE. 2012; 7(10):e46688). Based on the available evidence, the clinical significance of this variant remains unclear.

Labcorp Genetics (formerly Invitae), Labcorp
Classification: Uncertain significance for Long QT syndrome. Last evaluated: 2017-08-13. Review status: criteria provided, single submitter. Criteria: Invitae Variant Classification Sherloc (09022015). Collection method: clinical testing. Allele origin: germline.
Comment: Algorithms developed to predict the effect of missense changes on protein structure and function (SIFT, PolyPhen-2, Align-GVGD) all suggest that this variant is likely to be disruptive, but these predictions have not been confirmed by published functional studies and their clinical significance is uncertain. In summary, the available evidence is currently insufficient to determine the role of this variant in disease. Therefore, it has been classified as a Variant of Uncertain Significance. This variant has not been reported in the literature in individuals with KCNQ1-related disease. This variant is not present in population databases (ExAC no frequency). This sequence change replaces serine with aspartic acid at codon 389 of the KCNQ1 protein (p.Ser389Asp). The serine residue is highly conserved and there is a high physicochemical difference between serine and aspartic acid.